The following is an entry in ClinVar:

ClinVar aggregate classification (germline): Uncertain significance (1 of 4 stars; one submission).

Conditions:
Hereditary cancer-predisposing syndrome. Also called: Tumor predisposition; Hereditary Cancer Syndrome; Hereditary neoplastic syndrome; Neoplastic Syndromes, Hereditary. Identifiers: Orphanet 140162, MedGen C0027672, MeSH D009386, MONDO:0015356.

gnomAD v4.1: 1 of 1,614,078 alleles (0.000062%); highest among the groups gnomAD compares: Non-Finnish European, 0.000085%; no homozygotes.

Submission:

Ambry Genetics
Classification: Uncertain significance for Hereditary cancer-predisposing syndrome. Last evaluated: 2024-06-14. Review status: criteria provided, single submitter. Criteria: Ambry Variant Classification Scheme 2023. Collection method: clinical testing. Allele origin: germline.
Comment: The p.R692S variant (also known as c.2076A>C), located in coding exon 12 of the DICER1 gene, results from an A to C substitution at nucleotide position 2076. The arginine at codon 692 is replaced by serine, an amino acid with dissimilar properties. This amino acid position is conserved. In addition, the in silico prediction for this alteration is inconclusive. Based on the available evidence, the clinical significance of this variant remains unclear.

NM_177438.3(DICER1):c.2076A>C (p.Arg692Ser)

Gene: DICER1 (dicer 1, ribonuclease III; minus strand). Cytogenetic location: 14q32.13.
Variant type: single nucleotide variant.
Coding change: c.2076A>C on transcript NM_177438.3 (MANE Select); coding-DNA position 2076, A replaced by C.
Protein change: p.Arg692Ser; replaces arginine 692 with serine.
Molecular consequence: missense variant. On other transcripts: non-coding transcript variant (6).
Genome position (GRCh38, 1-based): chr14:95,112,212, T>G on the plus strand (A>C on the coding strand, the complement: DICER1 is on the minus strand). VCF-style: chr14-95112212-T-G. GRCh37 (hg19) VCF-style: chr14-95578549-T-G.
Other names: c.2076A>C, p.Arg692Ser (NM_001195573.1, NM_001291628.2, NM_001395682.1 and 12 more transcripts); c.1671A>C, p.Arg557Ser (NM_001395696.1, NM_001395687.1, NM_001395688.1 and 3 more transcripts); c.393A>C, p.Arg131Ser (NM_001395697.1); c.1794A>C, p.Arg598Ser (NM_001395686.1); c.1509A>C, p.Arg503Ser (NM_001395691.1); short protein forms R503S, R131S, R598S, R692S, R557S.
Identifiers: ClinVar variation 3272052 (VCV003272052.1).